The following is an entry in ClinVar:

NM_002769.5(PRSS1):c.694G>T (p.Val232Phe)

Genes: PRSS1 (serine protease 1; plus strand), TRB (T cell receptor beta locus; plus strand). Cytogenetic location: 7q34.
Variant type: single nucleotide variant.
Coding change: c.694G>T on transcript NM_002769.5 (MANE Select); coding-DNA position 694, G replaced by T.
Protein change: p.Val232Phe; replaces valine 232 with phenylalanine.
Molecular consequence: missense variant. On other transcripts: non-coding transcript variant (5).
Genome position (GRCh38, 1-based): chr7:142,752,970, G>T. VCF-style: chr7-142752970-G-T. GRCh37 (hg19) VCF-style: chr7-142460821-G-T.
Other names: short protein forms V232F.
Identifiers: ClinVar variation 2429192 (VCV002429192.3), dbSNP rs1445405636, ClinGen allele CA369610920.
Genomic context (GRCh38, chr7:142,752,970, plus strand): 5'-GGAGTTGTCTCCTGGGGTGATGGCTGTGCCCAGAAGAACAAGCCTGGAGTCTACACCAAG[G>T]TCTACAACTATGTGAAATGGATTAAGAACACCATAGCTGCCAATAGCTAAAGCCCCCAGT-3'
Protein context (NP_002760.1, residues 222-242): QKNKPGVYTK[Val232Phe]YNYVKWIKNT

ClinVar aggregate classification (germline): Uncertain significance (1 of 4 stars; one submission).

gnomAD v4.1: 1 of 1,613,772 alleles (0.000062%); highest among the groups gnomAD compares: Non-Finnish European, 0.000085%; no homozygotes.

Submission:

Women's Health and Genetics/Laboratory Corporation of America, LabCorp
Classification: Uncertain significance. Last evaluated: 2023-01-23. Review status: criteria provided, single submitter. Criteria: LabCorp Variant Classification Summary - May 2015. Collection method: clinical testing. Allele origin: germline.
Comment: Variant summary: PRSS1 c.694G>T (p.Val232Phe) results in a non-conservative amino acid change in the encoded protein sequence. Five of five in-silico tools predict a damaging effect of the variant on protein function. The variant allele was found at a frequency of 4e-06 in 251474 control chromosomes. The available data on variant occurrences in the general population are insufficient to allow any conclusion about variant significance. To our knowledge, no occurrence of c.694G>T in individuals affected with Chronic Pancreatitis Risk and no experimental evidence demonstrating its impact on protein function have been reported. No clinical diagnostic laboratories have submitted clinical-significance assessments for this variant to ClinVar after 2014. Based on the evidence outlined above, the variant was classified as uncertain significance.